The following is an entry in ClinVar:

ClinVar aggregate classification (germline): Conflicting classifications of pathogenicity. Review status: criteria provided, conflicting classifications (1 of 4 stars). 2 submissions from 2 submitters: Uncertain significance (1); Likely benign (1). Last evaluated 2025-08-11.

Conditions:
Cardiovascular phenotype. Identifiers: MedGen CN230736.
Brugada syndrome. Also called: Sudden unexpected nocturnal death syndrome; Sudden unexplained nocturnal death syndrome; Sudden Unexplained Death Syndrome; Sudden Unexplained Nocturnal Death Syndrome (SUNDS). Identifiers: Orphanet 130, MedGen C1142166, MONDO:0015263.

Allele frequency attached by ClinVar (database versions not stated): gnomAD exomes 0.00005; TOPMed 0.00005; ExAC 0.00006; gnomAD 0.00007 and 0.00008.
gnomAD v4.1: 108 of 1,605,018 alleles (0.0067%); highest among the groups gnomAD compares: Non-Finnish European, 0.0089%; 1 homozygote.

Submissions (2):

Labcorp Genetics (formerly Invitae), Labcorp
Classification: Uncertain significance for Brugada syndrome. Last evaluated: 2025-08-11. Review status: criteria provided, single submitter. Criteria: Invitae Variant Classification Sherloc (09022015). Collection method: clinical testing. Allele origin: germline.
Comment: This sequence change replaces glutamic acid, which is acidic and polar, with aspartic acid, which is acidic and polar, at codon 290 of the GPD1L protein (p.Glu290Asp). This variant is present in population databases (rs751812984, gnomAD 0.01%). This variant has not been reported in the literature in individuals affected with GPD1L-related conditions. ClinVar contains an entry for this variant (Variation ID: 958141). Invitae Evidence Modeling of protein sequence and biophysical properties (such as structural, functional, and spatial information, amino acid conservation, physicochemical variation, residue mobility, and thermodynamic stability) indicates that this missense variant is expected to disrupt GPD1L protein function with a positive predictive value of 80%. In summary, the available evidence is currently insufficient to determine the role of this variant in disease. Therefore, it has been classified as a Variant of Uncertain Significance.

Ambry Genetics
Classification: Likely benign for Cardiovascular phenotype. Last evaluated: 2023-07-07. Review status: criteria provided, single submitter. Criteria: Ambry Variant Classification Scheme 2023. Collection method: clinical testing. Allele origin: germline.

NM_015141.4(GPD1L):c.870G>T (p.Glu290Asp)

Gene: GPD1L (glycerol-3-phosphate dehydrogenase 1 like; plus strand). Cytogenetic location: 3p22.3.
Variant type: single nucleotide variant.
Coding change: c.870G>T on transcript NM_015141.4 (MANE Select); coding-DNA position 870, G replaced by T.
Protein change: p.Glu290Asp; replaces glutamic acid 290 with aspartic acid.
Molecular consequence: missense variant.
Genome position (GRCh38, 1-based): chr3:32,159,585, G>T. VCF-style: chr3-32159585-G-T. GRCh37 (hg19) VCF-style: chr3-32201077-G-T.
Other names: short protein forms E290D.
Identifiers: ClinVar variation 958141 (VCV000958141.9), dbSNP rs751812984, ClinGen allele CA2296779.
Genomic context (GRCh38, chr3:32,159,585, plus strand): 5'-CTTTACCATAGTTTTTTTAAATATATAATCCTTTGTTTTTAAGACCATTGAAGAGTTGGA[G>T]AAGGAGATGCTGAATGGGCAAAAGCTCCAAGGACCGCAGACTTCTGCTGAAGTGTACCGC-3'
Protein context (NP_055956.1, residues 280-300): ARTGKTIEEL[Glu290Asp]KEMLNGQKLQ